The following is an entry in ClinVar:

ClinVar aggregate classification (germline): Uncertain significance (1 of 4 stars; one submission).

gnomAD v4.1: 5 of 1,614,110 alleles (0.00031%); highest among the groups gnomAD compares: African/African-American, 0.0053%; no homozygotes.

Submission:

Women's Health and Genetics/Laboratory Corporation of America, LabCorp
Classification: Uncertain significance. Last evaluated: 2025-05-19. Review status: criteria provided, single submitter. Criteria: LabCorp Variant Classification Summary - May 2015. Collection method: clinical testing. Allele origin: germline.
Comment: Variant summary: DLL3 c.980G>A (p.Cys327Tyr) results in a non-conservative amino acid change in the encoded protein sequence. Algorithms developed to predict the effect of missense changes on protein structure and function all suggest that this variant is likely to be disruptive. The variant was absent in 251458 control chromosomes. The available data on variant occurrences in the general population are insufficient to allow any conclusion about variant significance. c.980G>A has been observed in individual(s) affected with clinical features of Spondylocostal Dysostosis 1 (Retterer_2016). These report(s) do not provide unequivocal conclusions about association of the variant with Spondylocostal Dysostosis 1. To our knowledge, no experimental evidence demonstrating an impact on protein function has been reported. The following publication have been ascertained in the context of this evaluation (PMID: 26633542). No submitters have cited clinical-significance assessments for this variant to ClinVar. Based on the evidence outlined above, the variant was classified as uncertain significance.

Literature cited by the submitters: PubMed 26633542.

NM_203486.3(DLL3):c.980G>A (p.Cys327Tyr)

Gene: DLL3 (delta like canonical Notch ligand 3; plus strand). Cytogenetic location: 19q13.2.
Variant type: single nucleotide variant.
Coding change: c.980G>A on transcript NM_203486.3 (MANE Select); coding-DNA position 980, G replaced by A.
Protein change: p.Cys327Tyr; replaces cysteine 327 with tyrosine.
Molecular consequence: missense variant.
Genome position (GRCh38, 1-based): chr19:39,505,338, G>A. VCF-style: chr19-39505338-G-A. GRCh37 (hg19) VCF-style: chr19-39995978-G-A.
Other names: c.980G>A, p.Cys327Tyr (NM_016941.4); short protein forms C327Y.
Identifiers: ClinVar variation 3902139 (VCV003902139.1).